The following is an entry in ClinVar:

ClinVar aggregate classification (germline): Uncertain significance (1 of 4 stars; one submission).

Conditions:
Hereditary insensitivity to pain with anhidrosis (CIPA). Also called: NEUROPATHY, CONGENITAL SENSORY, WITH ANHIDROSIS; INSENSITIVITY TO PAIN, CONGENITAL, WITH ANHIDROSIS; HSAN Type IV; NTRK1 Congenital Insensitivity to Pain with Anhidrosis; hereditary sensory and autonomic neuropathy type 4; FAMILIAL DYSAUTONOMIA, TYPE II. Identifiers: Orphanet 642, MedGen C0020074, MONDO:0009746, OMIM 256800.

Allele frequency attached by ClinVar (database versions not stated): gnomAD 0.00001.

Submission:

Labcorp Genetics (formerly Invitae), Labcorp
Classification: Uncertain significance for Hereditary insensitivity to pain with anhidrosis. Last evaluated: 2021-08-27. Review status: criteria provided, single submitter. Criteria: Invitae Variant Classification Sherloc (09022015). Collection method: clinical testing. Allele origin: germline.
Comment: This sequence change replaces aspartic acid with glutamic acid at codon 531 of the NTRK1 protein (p.Asp531Glu). The aspartic acid residue is highly conserved and there is a small physicochemical difference between aspartic acid and glutamic acid. This variant is not present in population databases (ExAC no frequency). This variant has not been reported in the literature in individuals affected with NTRK1-related conditions. Algorithms developed to predict the effect of missense changes on protein structure and function (SIFT, PolyPhen-2, Align-GVGD) all suggest that this variant is likely to be tolerated. In summary, the available evidence is currently insufficient to determine the role of this variant in disease. Therefore, it has been classified as a Variant of Uncertain Significance.

NM_002529.4(NTRK1):c.1611C>G (p.Asp537Glu)

Gene: NTRK1 (neurotrophic receptor tyrosine kinase 1; plus strand). Cytogenetic location: 1q23.1.
Variant type: single nucleotide variant.
Coding change: c.1611C>G on transcript NM_002529.4 (MANE Select); coding-DNA position 1611, C replaced by G.
Protein change: p.Asp537Glu; replaces aspartic acid 537 with glutamic acid.
Molecular consequence: missense variant.
Genome position (GRCh38, 1-based): chr1:156,876,189, C>G. VCF-style: chr1-156876189-C-G. GRCh37 (hg19) VCF-style: chr1-156845981-C-G.
Other names: c.1503C>G, p.Asp501Glu (NM_001007792.1); c.1593C>G, p.Asp531Glu (NM_001012331.2); short protein forms D537E, D531E, D501E.
Identifiers: ClinVar variation 944397 (VCV000944397.7), dbSNP rs765515894, ClinGen allele CA342938201.
Genomic context (GRCh38, chr1:156,876,189, plus strand): 5'-GGAGGGCGCCTTTGGGAAGGTCTTCCTTGCTGAGTGCCACAACCTCCTGCCTGAGCAGGA[C>G]AAGATGCTGGTGGCTGTCAAGGTGAGACCCTGCCCCGGGGGGTACTGCTGGCCTGGGTCC-3'
Protein context (NP_002520.2, residues 527-547): AECHNLLPEQ[Asp537Glu]KMLVAVKALK